The following is an entry in ClinVar:

ClinVar aggregate classification (germline): Uncertain significance (1 of 4 stars; one submission).

Conditions:
Spondylocostal dysostosis 3, autosomal recessive (SCDO3). Also called: LFNG-Related Spondylocostal Dysostosis, Autosomal Recessive. Identifiers: Orphanet 2311, MedGen C1853296, MONDO:0012349, OMIM 609813.

Allele frequency attached by ClinVar (database versions not stated): gnomAD exomes below 0.00001.
gnomAD v4.1: 2 of 1,061,610 alleles (0.00019%); highest among the groups gnomAD compares: East Asian, 0.0075%; no homozygotes.

Submission:

Labcorp Genetics (formerly Invitae), Labcorp
Classification: Uncertain significance for Spondylocostal dysostosis 3, autosomal recessive. Last evaluated: 2022-06-20. Review status: criteria provided, single submitter. Criteria: Invitae Variant Classification Sherloc (09022015). Collection method: clinical testing. Allele origin: germline.
Comment: This sequence change replaces valine, which is neutral and non-polar, with leucine, which is neutral and non-polar, at codon 23 of the LFNG protein (p.Val23Leu). The frequency data for this variant in the population databases is considered unreliable, as metrics indicate insufficient coverage at this position in the gnomAD database. This variant has not been reported in the literature in individuals affected with LFNG-related conditions. Algorithms developed to predict the effect of missense changes on protein structure and function (SIFT, PolyPhen-2, Align-GVGD) all suggest that this variant is likely to be tolerated. In summary, the available evidence is currently insufficient to determine the role of this variant in disease. Therefore, it has been classified as a Variant of Uncertain Significance.

NM_001040167.2(LFNG):c.67G>T (p.Val23Leu)

Genes: LFNG (LFNG O-fucosylpeptide 3-beta-N-acetylglucosaminyltransferase; plus strand), LOC129997823 (ATAC-STARR-seq lymphoblastoid silent region 17876; plus strand). Cytogenetic location: 7p22.3.
Variant type: single nucleotide variant.
Coding change: c.67G>T on transcript NM_001040167.2 (MANE Select); coding-DNA position 67, G replaced by T.
Protein change: p.Val23Leu; replaces valine 23 with leucine.
Molecular consequence: missense variant. On other transcripts: intron variant (2).
Genome position (GRCh38, 1-based): chr7:2,519,928, G>T. VCF-style: chr7-2519928-G-T. GRCh37 (hg19) VCF-style: chr7-2559562-G-T.
Other names: c.67G>T, p.Val23Leu (NM_001040168.2); c.220-4767G>T (NM_001166355.2); c.45+1330G>T (NM_002304.3); short protein forms V23L.
Identifiers: ClinVar variation 1478316 (VCV001478316.3), dbSNP rs2128375068, ClinGen allele CA366612918.